The following is an entry in ClinVar:

ClinVar aggregate classification (germline): Likely pathogenic (1 of 4 stars; one submission).

Conditions:
Familial intrahepatic cholestasis. Identifiers: Orphanet 284385, MedGen CN296401, MONDO:0017290.

Submission:

Genomenon, Inc
Classification: Likely pathogenic for Familial intrahepatic cholestasis. Last evaluated: 2026-04-14. Review status: criteria provided, single submitter. Criteria: Genomenon Sequence Variant Interpretation Standards - Updated. Collection method: curation. Allele origin: germline. Affected: yes.
Comment: ABCB11 c.77-2A>C is a canonical splice variant affecting the acceptor splice site of intron 2. It is predicted to affect mRNA splicing, leading to a deleterious effect on the ABCB11 protein. This variant has been observed in at least one individual with transient neonatal cholestasis (PMID:32808743). It is absent or not present at a significant frequency in gnomAD. In conclusion, we classify ABCB11 c.77-2A>C as a likely pathogenic variant.

Literature cited by the submitters: PubMed 32808743.

NM_003742.4(ABCB11):c.77-2A>C

Gene: ABCB11 (ATP binding cassette subfamily B member 11; minus strand). Cytogenetic location: 2q31.1.
Variant type: single nucleotide variant.
Coding change: c.77-2A>C on transcript NM_003742.4 (MANE Select); the canonical splice acceptor site of the intron before coding-DNA position 77, A replaced by C.
Molecular consequence: splice acceptor variant.
Genome position (GRCh38, 1-based): chr2:169,016,801, T>G on the plus strand (A>C on the coding strand, the complement: ABCB11 is on the minus strand). VCF-style: chr2-169016801-T-G. GRCh37 (hg19) VCF-style: chr2-169873311-T-G.
Identifiers: ClinVar variation 4846723 (VCV004846723.1).